The following is an entry in ClinVar:

NM_004444.5(EPHB4):c.1291C>T (p.Arg431Ter)

Gene: EPHB4 (EPH receptor B4; minus strand). Cytogenetic location: 7q22.1.
Variant type: single nucleotide variant.
Coding change: c.1291C>T on transcript NM_004444.5 (MANE Select); coding-DNA position 1291, C replaced by T.
Protein change: p.Arg431Ter; replaces arginine 431 with a stop codon.
Molecular consequence: nonsense.
Genome position (GRCh38, 1-based): chr7:100,819,563, G>A on the plus strand (C>T on the coding strand, the complement: EPHB4 is on the minus strand). VCF-style: chr7-100819563-G-A. GRCh37 (hg19) VCF-style: chr7-100417185-G-A.
Other names: c.1291C>T (NM_004444.4); short protein forms R431*.
Identifiers: ClinVar variation 1458604 (VCV001458604.8), dbSNP rs779782731, ClinGen allele CA4393055.
Genomic context (GRCh38, chr7:100,819,563, plus strand): 5'-CTCAGTGACATCTCTCCCGCCAGACCACCAGCCGCCCCAGCCCCCAAGTCTCACCCTCTC[G>A]GTCAGTGGTGACATTGACAGGCTCAAATGGGACGGGCCCCGTGGCTAAGGAGGATACCCC-3'

ClinVar aggregate classification (germline): Pathogenic. Review status: criteria provided, multiple submitters, no conflicts (2 of 4 stars). 3 submissions from 3 submitters: Pathogenic (3). Last evaluated 2026-03-04.

Conditions:
EPHB4-related disorder. Also called: EPHB4-related condition; EPHB4-related disorders.
Capillary malformation-arteriovenous malformation syndrome. Also called: Capillary malformation-arteriovenous malformation. Identifiers: Orphanet 137667, MedGen C1842180, MONDO:0012016.

gnomAD v4.1: 2 of 1,558,504 alleles (0.00013%); highest among the groups gnomAD compares: Admixed American, 0.0018%; no homozygotes.

Submissions (3):

PreventionGenetics, part of Exact Sciences
Classification: Pathogenic for EPHB4-related condition. Last evaluated: 2026-03-04. Review status: criteria provided, single submitter. Criteria: ACMG Guidelines, 2015. Collection method: clinical testing. Allele origin: germline.
Comment: The EPHB4 c.1291C>T variant is predicted to result in premature protein termination (p.Arg431*). This variant has been reported in three affected family members with capillary malformation-arteriovenous malformation (CM-AVM2) (Amyere et al. 2017. PubMed ID: 28687708). This variant is reported in 0.0032% of alleles in individuals of Latino descent in gnomAD and is interpreted as pathogenic in ClinVar (Variation ID: 1458604). Nonsense variants in EPHB4 are expected to be pathogenic. This variant is interpreted as pathogenic.

Labcorp Genetics (formerly Invitae), Labcorp
Classification: Pathogenic. Last evaluated: 2025-09-21. Review status: criteria provided, single submitter. Criteria: Invitae Variant Classification Sherloc (09022015). Collection method: clinical testing. Allele origin: germline.
Comment: This sequence change creates a premature translational stop signal (p.Arg431*) in the EPHB4 gene. It is expected to result in an absent or disrupted protein product. Loss-of-function variants in EPHB4 are known to be pathogenic (PMID: 28687708). This variant is not present in population databases (gnomAD no frequency). This premature translational stop signal has been observed in individual(s) with EPHB4-related conditions (PMID: 28687708). ClinVar contains an entry for this variant (Variation ID: 1458604). For these reasons, this variant has been classified as Pathogenic.

Clinical Genetics Laboratory, Skane University Hospital Lund
Classification: Pathogenic for Capillary malformation-arteriovenous malformation syndrome. Last evaluated: 2025-07-10. Review status: criteria provided, single submitter. Criteria: ACMG Guidelines, 2015. Collection method: clinical testing. Allele origin: paternal. Inheritance: Autosomal dominant inheritance. Affected: yes.
Comment: ACMG-criteria applied: PVS1, PS4_Supporting, PM2_Supporting, PP1_Moderate

Literature cited by the submitters: PubMed 28687708 (cited by Labcorp Genetics (formerly Invitae), Labcorp).